The following is an entry in ClinVar:

NM_007294.4(BRCA1):c.2798G>C (p.Gly933Ala)

Gene: BRCA1 (BRCA1 DNA repair associated; minus strand). Cytogenetic location: 17q21.31.
Variant type: single nucleotide variant.
Coding change: c.2798G>C on transcript NM_007294.4 (MANE Select); coding-DNA position 2798, G replaced by C.
Protein change: p.Gly933Ala; replaces glycine 933 with alanine.
Molecular consequence: missense variant. On other transcripts: intron variant (137).
Genome position (GRCh38, 1-based): chr17:43,092,733, C>G on the plus strand (G>C on the coding strand, the complement: BRCA1 is on the minus strand). VCF-style: chr17-43092733-C-G. GRCh37 (hg19) VCF-style: chr17-41244750-C-G.
Other names: c.584-1701G>C (NM_001408475.1); c.710-1701G>C (NM_001408412.1, NM_001408409.1, NM_001408414.1 and 2 more transcripts); c.452-1701G>C (NM_001408509.1, NM_001408508.1); c.575-1701G>C (NM_001408491.1, NM_001408493.1, NM_001408490.1); c.461-1701G>C (NM_001408506.1, NM_001408507.1); c.578-1701G>C (NM_001408481.1, NM_001408480.1, NM_001408492.1 and 9 more transcripts); c.779-1701G>C (NM_001408408.1); c.662-1701G>C (NM_001408446.1, NM_001408435.1, NM_001408448.1 and 6 more transcripts); and 41 more; short protein forms G933A, G886A, G821A, G885A, G907A, G637A, G805A, G844A.
Identifiers: ClinVar variation 233288 (VCV000233288.32), dbSNP rs80356941, ClinGen allele CA10580597.

ClinVar aggregate classification (germline): Benign. Review status: reviewed by expert panel (3 of 4 stars). 8 submissions from 8 submitters: Benign (1). 7 of the submissions do not count toward it. Last evaluated 2019-06-18.

Conditions:
Hereditary breast ovarian cancer syndrome. Also called: Breast and ovarian cancer; Hereditary breast and ovarian cancer; Hereditary breast and ovarian cancer syndrome; Hereditary breast and/or ovarian cancer syndrome; BRCA1- and BRCA2-Associated Hereditary Breast and Ovarian Cancer; Hereditary breast and ovarian cancer syndrome (HBOC). Identifiers: Orphanet 145, MedGen C0677776, MeSH D061325, MONDO:0003582. Disease mechanism: loss of function.
Breast-ovarian cancer, familial, susceptibility to, 1 (BROVCA1). Also called: BRCA1 Hereditary Breast and Ovarian Cancer; OVARIAN CANCER, SUSCEPTIBILITY TO. Identifiers: Orphanet 145, MedGen C2676676, MONDO:0011450, OMIM 604370. Disease mechanism: loss of function.
Hereditary cancer-predisposing syndrome. Also called: Tumor predisposition; Hereditary Cancer Syndrome; Neoplastic Syndromes, Hereditary; Hereditary neoplastic syndrome. Identifiers: Orphanet 140162, MedGen C0027672, MeSH D009386, MONDO:0015356.
BRCA1-related cancer predisposition. Identifiers: MedGen CN377757, MONDO:0700268.

gnomAD v4.1: 2 of 1,614,098 alleles (0.00012%); highest among the groups gnomAD compares: Non-Finnish European, 0.00017%; no homozygotes.

Submissions (8):

Evidence-based Network for the Interpretation of Germline Mutant Alleles (ENIGMA)
Classification: Benign for Breast-ovarian cancer, familial, susceptibility to, 1. Last evaluated: 2019-06-18. Review status: reviewed by expert panel. Criteria: ENIGMA BRCA1/2 Classification Criteria (2017-06-29). Collection method: curation. Allele origin: germline.
Comment: IARC class based on posterior probability from multifactorial likelihood analysis, thresholds for class as per Plon et al. 2008 (PMID: 18951446). Class 1 based on posterior probability = 0.00015

Labcorp Genetics (formerly Invitae), Labcorp
Classification: Likely benign for Hereditary breast ovarian cancer syndrome. Last evaluated: 2024-07-21. Review status: criteria provided, single submitter. Criteria: Invitae Variant Classification Sherloc (09022015). Collection method: clinical testing. Allele origin: germline. Not counted in ClinVar's aggregate classification.

All of Us Research Program, National Institutes of Health
Classification: Uncertain significance for BRCA1-related cancer predisposition. Last evaluated: 2024-03-05. Review status: criteria provided, single submitter. Criteria: ACMG Guidelines, 2015. Collection method: clinical testing. Allele origin: germline. Inheritance: Autosomal dominant inheritance. Observed: 1 variant allele, 1 heterozygote. Not counted in ClinVar's aggregate classification.
Comment: This missense variant replaces glycine with alanine at codon 933 of the BRCA1 protein. Computational prediction tool suggests that this variant may not impact protein structure and function (internally defined REVEL score threshold <= 0.5, PMID: 27666373). Splice site prediction tools suggest that this variant may not impact RNA splicing. To our knowledge, functional studies have not been performed for this variant. This variant has not been reported in individuals affected with hereditary cancer in the literature. This variant has not been identified in the general population by the Genome Aggregation Database (gnomAD). The available evidence is insufficient to determine the role of this variant in disease conclusively. Therefore, this variant is classified as a Variant of Uncertain Significance.

This study involves interpretation of variants in research participants for the purpose of population health screening. Participant phenotype was not available at the time of variant classification. Additional details can be found in publication PMID: 35346344, PMCID: PMC8962531

Mendelics
Classification: Benign for Breast-ovarian cancer, familial, susceptibility to, 1. Last evaluated: 2023-08-22. Review status: criteria provided, single submitter. Criteria: Mendelics Assertion Criteria 2019. Collection method: clinical testing. Allele origin: germline. Not counted in ClinVar's aggregate classification.

Ambry Genetics
Classification: Likely benign for Hereditary cancer-predisposing syndrome. Last evaluated: 2021-07-07. Review status: criteria provided, single submitter. Criteria: Ambry Variant Classification Scheme 2023. Collection method: clinical testing. Allele origin: germline. Not counted in ClinVar's aggregate classification.

Mayo Clinic Laboratories, Mayo Clinic
Classification: Uncertain significance. Last evaluated: 2020-11-30. Review status: criteria provided, single submitter. Criteria: ACMG Guidelines, 2015. Collection method: clinical testing. Allele origin: germline. Observed: 1 variant allele. Not counted in ClinVar's aggregate classification.

Color Diagnostics, LLC DBA Color Health
Classification: Uncertain significance for Hereditary cancer-predisposing syndrome. Last evaluated: 2019-09-19. Review status: criteria provided, single submitter. Criteria: ACMG Guidelines, 2015. Collection method: clinical testing. Allele origin: germline. Not counted in ClinVar's aggregate classification.
Comment: This missense variant replaces glycine with alanine at codon 933 of the BRCA1 protein. Computational prediction tool suggests that this variant may not impact protein structure and function (internally defined REVEL score threshold ≤ 0.5, PMID: 27666373). Splice site prediction tools suggest that this variant may not impact RNA splicing. To our knowledge, functional studies have not been performed for this variant. This variant has not been reported in individuals affected with hereditary cancer in the literature. This variant has not been identified in the general population by the Genome Aggregation Database (gnomAD). The available evidence is insufficient to determine the role of this variant in disease conclusively. Therefore, this variant is classified as a Variant of Uncertain Significance.

GeneDx
Classification: Uncertain significance. Last evaluated: 2017-01-30. Review status: criteria provided, single submitter. Criteria: GeneDx Variant Classification (06012015). Collection method: clinical testing. Allele origin: germline. Affected: yes. Not counted in ClinVar's aggregate classification.
Comment: This variant is denoted BRCA1 c.2798G>C at the cDNA level, p.Gly933Ala (G933A) at the protein level, and results in the change of a Glycine to an Alanine (GGT>GCT). Using alternate nomenclature, this variant would be defined as BRCA1 2917G>C. This variant was observed in at least one family with breast and/or ovarian cancer (Lu 2012). BRCA1 Gly933Ala was not observed in approximately 6,500 individuals of European and African American ancestry in the NHLBI Exome Sequencing Project, suggesting it is not a common benign variant in these populations. Since Glycine and Alanine share similar properties, this is considered a conservative amino acid substitution. BRCA1 Gly933Ala occurs at a position that is not conserved and is located within the DNA binding domain and in a region that binds RAD51 (Chen 1998, Narod 2004). In silico analyses predict that this variant is unlikely to alter protein structure or function. Based on currently available evidence, it is unclear whether BRCA1 Gly933Ala is a pathogenic or benign variant. We consider it to be a variant of uncertain significance.

Literature cited by the submitters: PubMed 31131967 (cited by Evidence-based Network for the Interpretation of Germline Mutant Alleles (ENIGMA) and Ambry Genetics); PubMed 22476429 (cited by Ambry Genetics).